The following is an entry in ClinVar:

NM_024426.6(WT1):c.1120C>T (p.Arg374Ter)

Gene: WT1 (WT1 transcription factor; minus strand). Cytogenetic location: 11p13.
Variant type: single nucleotide variant.
Coding change: c.1120C>T on transcript NM_024426.6 (MANE Select); coding-DNA position 1120, C replaced by T.
Protein change: p.Arg374Ter; replaces arginine 374 with a stop codon.
Molecular consequence: nonsense. On other transcripts: 5 prime UTR variant (1), non-coding transcript variant (1).
Genome position (GRCh38, 1-based): chr11:32,396,401, G>A on the plus strand (C>T on the coding strand, the complement: WT1 is on the minus strand). VCF-style: chr11-32396401-G-A. GRCh37 (hg19) VCF-style: chr11-32417947-G-A.
Other names: c.1069C>T, p.Arg357Ter (NM_000378.6, NM_001407045.1, NM_001407048.1 and 1 more transcripts); c.469C>T, p.Arg157Ter (NM_001198551.2); c.418C>T, p.Arg140Ter (NM_001198552.2); c.-69C>T (NM_001367854.1); c.1114C>T, p.Arg372Ter (NM_001407044.1); c.1120C>T, p.Arg374Ter (NM_001407046.1, NM_024424.5); c.997C>T, p.Arg333Ter (NM_001407047.1); c.946C>T, p.Arg316Ter (NM_001407050.1); and 2 more; short protein forms R157*, R374*, R357*, R140*, R316*, R333*, R372*, R120*.
Identifiers: ClinVar variation 449416 (VCV000449416.26), dbSNP rs1423753702, ClinGen allele CA379960070.

ClinVar aggregate classification (germline): Pathogenic. Review status: criteria provided, multiple submitters, no conflicts (2 of 4 stars). 10 submissions from 10 submitters: Pathogenic (9). 1 of the submissions does not count toward it. Last evaluated 2026-05-19.

Conditions:
WT1-related disorder. Also called: WT1-related disorders. Identifiers: MedGen CN377814.
Frasier syndrome. Identifiers: Orphanet 347, MedGen C0950122, MeSH D052159, MONDO:0007635, OMIM 136680.
Wilms tumor 1 (WT1). Also called: Wilms tumor, somatic. Identifiers: Orphanet 654, MedGen CN033288, MONDO:0008679, OMIM 194070.
11p partial monosomy syndrome (WAGR). Also called: WAGR Spectrum Disorder; WAGR Complex; CHROMOSOME 11p13 DELETION SYNDROME; WAGR syndrome. Identifiers: Orphanet 893, MedGen C0206115, MONDO:0008681, OMIM 194072.
Drash syndrome (DDS). Also called: WILMS TUMOR AND PSEUDO- OR TRUE HERMAPHRODITISM; NEPHROPATHY, WILMS TUMOR, AND GENITAL ANOMALIES. Identifiers: Orphanet 220, MedGen C0950121, MONDO:0008682, OMIM 194080.
Inborn genetic diseases. Identifiers: MedGen C0950123, MeSH D030342.
WT1-related Wilms tumor.

Allele frequency attached by ClinVar (database versions not stated): gnomAD exomes below 0.00001; gnomAD 0.00001; TOPMed 0.00001.
gnomAD v4.1: 3 of 1,613,656 alleles (0.00019%); highest among the groups gnomAD compares: Admixed American, 0.0033%; no homozygotes.

Submissions (10):

Ambry Genetics
Classification: Pathogenic for Inborn genetic diseases. Last evaluated: 2026-05-19. Review status: criteria provided, single submitter. Criteria: Ambry Variant Classification Scheme 2023. Collection method: clinical testing. Allele origin: germline.
Comment: The c.1105C>T (p.R369*) alteration, located in exon 7 (coding exon 7) of the WT1 gene, consists of a C to T substitution at nucleotide position 1105. This changes the amino acid from an arginine (R) to a stop codon at amino acid position 369. This alteration is expected to result in loss of function by premature protein truncation or nonsense-mediated mRNA decay. Based on data from gnomAD, the T allele has an overall frequency of <0.01% (1/31402) total alleles studied. Based on the available evidence, this alteration is classified as pathogenic.

3billion
Classification: Pathogenic for WT1-related disorder. Last evaluated: 2025-06-29. Review status: criteria provided, single submitter. Criteria: ACMG Guidelines, 2015. Collection method: clinical testing. Allele origin: germline. Affected: yes.
Comment: The variant is observed at an extremely low frequency in the gnomAD v4.1.0 dataset (total allele frequency: <0.001%). Predicted Consequence/Location: Stop-gained (nonsense): predicted to result in a loss or disruption of normal protein function through nonsense-mediated decay (NMD) or protein truncation. Multiple pathogenic variants are reported downstream of the variant. The variant has been reported at least twice as pathogenic without evidence for the classification (ClinVar ID: VCV000449416 /PMID: 9108089). Therefore, this variant is classified as Pathogenic according to the recommendation of ACMG/AMP guideline.

Labcorp Genetics (formerly Invitae), Labcorp
Classification: Pathogenic for Wilms tumor 1; Drash syndrome; 11p partial monosomy syndrome; Frasier syndrome. Last evaluated: 2025-05-06. Review status: criteria provided, single submitter. Criteria: Invitae Variant Classification Sherloc (09022015). Collection method: clinical testing. Allele origin: germline.
Comment: This sequence change creates a premature translational stop signal (p.Arg369*) in the WT1 gene. It is expected to result in an absent or disrupted protein product. Loss-of-function variants in WT1 are known to be pathogenic (PMID: 15150775). This variant is present in population databases (no rsID available, gnomAD no frequency). This premature translational stop signal has been observed in individual(s) with Wilms tumors (PMID: 9108089). This variant is also known as p.Arg301*. ClinVar contains an entry for this variant (Variation ID: 449416). For these reasons, this variant has been classified as Pathogenic.

Swedish National ChiCaP Initative, Genomic Medicine Sweden
Classification: Pathogenic for WT1-related disorder. Last evaluated: 2024-05-01. Review status: criteria provided, single submitter. Criteria: ACMG Guidelines, 2015. Collection method: clinical testing. Allele origin: germline. Affected: yes.

Blueprint Genetics
Classification: Pathogenic for WT1-related disorders. Last evaluated: 2024-01-09. Review status: criteria provided, single submitter. Criteria: ACMG Guidelines, 2015. Collection method: clinical testing. Allele origin: germline. Affected: yes. Observed: 1 variant allele.

Laboratorio de Genetica e Diagnostico Molecular, Hospital Israelita Albert Einstein
Classification: Pathogenic for WT1-related Wilms tumor. Last evaluated: 2021-11-27. Review status: criteria provided, single submitter. Criteria: ACMG Guidelines, 2015. Collection method: clinical testing. Allele origin: germline.
Comment: ACMG classification criteria: PVS1, PS4, PM2, PP1

St. Jude Molecular Pathology, St. Jude Children's Research Hospital
Classification: Pathogenic for Wilms tumor 1. Last evaluated: 2021-07-22. Review status: criteria provided, single submitter. Criteria: St. Jude Assertion Criteria 2020. Collection method: clinical testing. Allele origin: germline. Affected: yes.
Comment: The WT1 c.1054C>T (p.Arg352Ter) change is a nonsense variant that is predicted to cause premature protein truncation and loss of normal protein function (PVS1). This variant corresponds to the c.1120C>T (p.Arg374Ter) in the transcript NM_024426.6. This variant is absent in gnomAD v2.1.1 (PM2_Supporting). It has been reported in the literature in two siblings affected with Wilms tumor, one of whom had bilateral disease, as well as two additional individuals with loss of the wild-type allele in the tumor (PS4; PMID: 9108089, internal data). In summary, this variant meets criteria to be classified as of pathogenic based on the ACMG/AMP criteria: PVS1, PS4, PM2_Supporting.

Mendelics
Classification: Pathogenic for Drash syndrome. Last evaluated: 2019-05-28. Review status: criteria provided, single submitter. Criteria: Mendelics Assertion Criteria 2017. Collection method: clinical testing. Allele origin: unknown.

GeneDx
Classification: Pathogenic. Last evaluated: 2017-07-18. Review status: criteria provided, single submitter. Criteria: GeneDx Variant Classification (06012015). Collection method: clinical testing. Allele origin: germline. Affected: yes.
Comment: The R369X variant in the WT1 gene has been reported in at least two individuals with Wilms tumor, one of whom had bilateral disease (Schumacher 1997). The substitution creates a nonsense variant, which changes an Arginine to a premature stop codon (CGA>TGA), and is predicted to cause loss of normal protein function through either protein truncation or nonsense-mediated mRNA decay. We interpret R369X as a pathogenic variant.

PreventionGenetics, part of Exact Sciences
Classification: Pathogenic for WT1-related condition. Last evaluated: 2024-01-28. Review status: no assertion criteria provided. Collection method: clinical testing. Allele origin: germline. Not counted in ClinVar's aggregate classification.
Comment: The WT1 c.1105C>T variant is predicted to result in premature protein termination (p.Arg369*). This variant has been reported in individuals with WT1-related disorders (see for example, reported as codon 301 Arg to Stop at Table 2 of Schumacher et al. 1997. PubMed ID: 9108089; p.Arg369Ter in Akramov et al. 2021. PubMed ID: 34106634; p.Q369X in Terenziani et al. 2009. PubMed ID: 19048299). To our knowledge, this variant has not been reported in continental populations in a large population database, indicating this variant is rare. Nonsense variants in WT1 are expected to be pathogenic. This variant is interpreted as pathogenic.

Literature cited by the submitters: PubMed 19048299 (cited by Ambry Genetics); PubMed 9108089 (cited by 3billion and Labcorp Genetics (formerly Invitae), Labcorp); PubMed 15150775 (cited by Labcorp Genetics (formerly Invitae), Labcorp).